The following is an entry in ClinVar:

NM_025233.7(COASY):c.1549_1550del (p.Ser517fs)

Gene: COASY (Coenzyme A synthase; plus strand). Cytogenetic location: 17q21.2.
Variant type: Microsatellite.
Coding change: c.1549_1550del on transcript NM_025233.7 (MANE Select); coding-DNA positions 1549 to 1550, 2 bases deleted (AG; older notation c.1549_1550delAG).
Protein change: p.Ser517fs; shifts the reading frame from serine 517.
Molecular consequence: frameshift variant.
Genome position (GRCh38, 1-based): chr17:42,565,722-42,565,723, AG deleted; deleting any 2 consecutive bases within chr17:42,565,720-42,565,723 gives the same sequence; the c. name uses the placement nearest the transcript's 3' end. VCF-style (leftmost placement, unchanged base first): chr17-42565719-CAG-C. GRCh37 (hg19) VCF-style: chr17-40717737-CAG-C.
Other names: c.1549_1550del, p.Ser517fs (NM_001042529.3); c.1636_1637del, p.Ser546fs (NM_001042532.4); c.1549_1550delAG (NM_025233.6); short protein forms S517fs, S546fs.
Identifiers: ClinVar variation 599342 (VCV000599342.8), dbSNP rs766482965, ClinGen allele CA8578392.
Genomic context (GRCh38, chr17:42,565,719, plus strand): 5'-GCTGTAAGACGCATTGTGGAGAGGGATGGCCTCAGTGAAGCCGCGGCTCAAAGCCGGCTG[CAG>C]AGCCAGATGAGCGGGCAGCAGCTTGTGGAACAGAGCCACGTGGTGCTCAGCACCTTGTGG-3'

ClinVar aggregate classification (germline): Pathogenic/Likely pathogenic. Review status: criteria provided, multiple submitters, no conflicts (2 of 4 stars). 4 submissions from 4 submitters: Pathogenic (1); Likely pathogenic (2). 1 of the submissions does not count toward it. Last evaluated 2025-08-10.

Conditions:
Pontocerebellar hypoplasia, type 12. Identifiers: Orphanet 611256, MedGen C4748873, MONDO:0032643, OMIM 618266.
Neurodegeneration with brain iron accumulation (NBIA). Identifiers: Orphanet 385, MedGen C2931845, MONDO:0018307.

Submissions (4):

GeneDx
Classification: Likely pathogenic. Last evaluated: 2025-08-10. Review status: criteria provided, single submitter. Criteria: GeneDx Variant Classification Process June 2021. Collection method: clinical testing. Allele origin: germline. Affected: yes.
Comment: Frameshift variant predicted to result in abnormal protein length as the last 48 amino acids are replaced with 60 different amino acid(s); Not observed at significant frequency in large population cohorts (gnomAD); This variant is associated with the following publications: (PMID: 30089828, WalkerL2025[abstract])

Dasa
Classification: Likely pathogenic. Last evaluated: 2024-07-30. Review status: criteria provided, single submitter. Criteria: DASA Assertion Criteria. Collection method: clinical testing. Allele origin: germline.
Comment: NM_025233.7(COASY):c.1549_1550del (p.Ser517Profs*61) is a frameshift variant in COASY predicted to alter the reading frame and introduce a premature termination codon and is predicted to result in an absent or altered protein product. Loss of function is an established disease mechanism for COASY-associated disorders. This variant has been observed in affected individuals with COASY-related disorders. Also, this variant is rare in population databases. Based on the currently available evidence, this variant is classified as likely pathogenic.

Women's Health and Genetics/Laboratory Corporation of America, LabCorp
Classification: Pathogenic for Neurodegeneration with brain iron accumulation. Last evaluated: 2023-05-19. Review status: criteria provided, single submitter. Criteria: LabCorp Variant Classification Summary - May 2015. Collection method: clinical testing. Allele origin: germline.
Comment: Variant summary: COASY c.1549_1550delAG (p.Ser517ProfsX61) causes a frameshift which results in an extension of the protein. The variant allele was found at a frequency of 1.2e-05 in 251012 control chromosomes (gnomAD). c.1549_1550delAG has been reported in the literature in at least one compound heterozygous individual affected with Pontocerebellar hypoplasia, microcephaly and arthrogryposis (van Dijk_2018). These data do not allow any conclusion about variant significance. Amniocytes from this compound heterozygous individual had undetectable levels of COASY protein and ~1% COASY activity compared to controls, indicating loss-of-function (van Dijk_2018). The following publication has been ascertained in the context of this evaluation (PMID: 30089828). Two ClinVar submitters have assessed the variant since 2014: one classified the variant as likely pathogenic, and one as pathogenic. Based on the evidence outlined above, the variant was classified as pathogenic.

OMIM
Classification: Pathogenic for PONTOCEREBELLAR HYPOPLASIA, TYPE 12. Last evaluated: 2019-01-09. Review status: no assertion criteria provided. Collection method: literature only. Allele origin: germline. Not counted in ClinVar's aggregate classification.

Literature cited by the submitters: PubMed 30089828 (cited by Women's Health and Genetics/Laboratory Corporation of America, LabCorp and OMIM).